The following is an entry in ClinVar:

NM_004453.4(ETFDH):c.1669G>A (p.Glu557Lys)

Gene: ETFDH (electron transfer flavoprotein dehydrogenase; plus strand). Cytogenetic location: 4q32.1.
Variant type: single nucleotide variant.
Coding change: c.1669G>A on transcript NM_004453.4 (MANE Select); coding-DNA position 1669, G replaced by A.
Protein change: p.Glu557Lys; replaces glutamic acid 557 with lysine.
Molecular consequence: missense variant.
Genome position (GRCh38, 1-based): chr4:158,706,829, G>A. VCF-style: chr4-158706829-G-A. GRCh37 (hg19) VCF-style: chr4-159627981-G-A.
Other names: c.1669G>A (NM_004453.2); c.1528G>A, p.Glu510Lys (NM_001281737.2); c.1486G>A, p.Glu496Lys (NM_001281738.1); short protein forms E496K, E510K, E557K.
Identifiers: ClinVar variation 971109 (VCV000971109.12), dbSNP rs1279728239, ClinGen allele CA358565178.

ClinVar aggregate classification (germline): Pathogenic/Likely pathogenic. Review status: criteria provided, multiple submitters, no conflicts (2 of 4 stars). 4 submissions from 4 submitters: Pathogenic (1); Likely pathogenic (3). Last evaluated 2025-09-02.

Conditions:
Glutaric acidemia type 2C.
Multiple acyl-CoA dehydrogenase deficiency (MADD). Also called: Glutaric aciduria, type 2; ETHYLMALONIC-ADIPICACIDURIA; GA II; Glutaric Acidemia type 2; Glutaric acidemia type II; GA 2. Identifiers: Orphanet 26791, MedGen C0268596, MONDO:0009282, OMIM 231680.

Allele frequency attached by ClinVar (database versions not stated): gnomAD 0.00001; gnomAD exomes 0.00001.
gnomAD v4.1: 18 of 1,607,852 alleles (0.0011%); highest among the groups gnomAD compares: East Asian, 0.0045%; no homozygotes.

Submissions (4):

Labcorp Genetics (formerly Invitae), Labcorp
Classification: Pathogenic for Multiple acyl-CoA dehydrogenase deficiency. Last evaluated: 2025-09-02. Review status: criteria provided, single submitter. Criteria: Invitae Variant Classification Sherloc (09022015). Collection method: clinical testing. Allele origin: germline.
Comment: This sequence change replaces glutamic acid, which is acidic and polar, with lysine, which is basic and polar, at codon 557 of the ETFDH protein (p.Glu557Lys). This variant is present in population databases (no rsID available, gnomAD 0.006%). This missense change has been observed in individual(s) with multiple Acyl-CoA dehydrogenase deficiency (PMID: 37168503, 38951975; Qi Miao. 2021. Forensic Science International: Reports. Vol 3). In at least one individual the data is consistent with being in trans (on the opposite chromosome) from a pathogenic variant. ClinVar contains an entry for this variant (Variation ID: 971109). Invitae Evidence Modeling of protein sequence and biophysical properties (such as structural, functional, and spatial information, amino acid conservation, physicochemical variation, residue mobility, and thermodynamic stability) indicates that this missense variant is expected to disrupt ETFDH protein function with a positive predictive value of 80%. For these reasons, this variant has been classified as Pathogenic.

Natera, Inc.
Classification: Likely pathogenic for Glutaric acidemia type 2C. Last evaluated: 2025-05-18. Review status: criteria provided, single submitter. Criteria: Natera Variant Classification Schema (03/2026). Collection method: clinical testing. Allele origin: germline.
Comment: The c.1669G>A variant in ETFDH is a missense variant predicted to cause substitution of glutamic acid to lysine at amino acid 557. This variant is rare in the general population with a frequency below the threshold expected for the associated phenotype(s). This variant has been observed in one or more individuals affected with the associated recessive disease, as either homozygous or compound heterozygous with a second variant (PMID: 31852447). Computational prediction algorithms indicate this variant is likely to affect gene or protein function. Given the available evidence, this variant is classified as Likely Pathogenic.

Women's Health and Genetics/Laboratory Corporation of America, LabCorp
Classification: Likely pathogenic for Multiple acyl-CoA dehydrogenase deficiency. Last evaluated: 2024-06-11. Review status: criteria provided, single submitter. Criteria: LabCorp Variant Classification Summary - May 2015. Collection method: clinical testing. Allele origin: germline.
Comment: Variant summary: ETFDH c.1669G>A (p.Glu557Lys) results in a conservative amino acid change located in the ETF-QO/FixX, C-terminal domain (IPR007859) of the encoded protein sequence. Four of five in-silico tools predict a damaging effect of the variant on protein function. The variant allele was found at a frequency of 8e-06 in 250922 control chromosomes. c.1669G>A has been reported in the literature in individuals affected with or suspected of Multiple acyl-CoA dehydrogenation deficiency (MADD) (examples: Chen_2019, Miao_2021, SedeMbakop2023). These data indicate that the variant is likely to be associated with disease. To our knowledge, no experimental evidence demonstrating an impact on protein function has been reported. The following publications have been ascertained in the context of this evaluation (PMID: 31852447, 37168503). ClinVar contains an entry for this variant (Variation ID: 971109). Based on the evidence outlined above, the variant was classified as likely pathogenic.

GeneDx
Classification: Likely pathogenic. Last evaluated: 2024-01-23. Review status: criteria provided, single submitter. Criteria: GeneDx Variant Classification Process June 2021. Collection method: clinical testing. Allele origin: germline. Affected: yes.
Comment: In silico analysis supports that this missense variant has a deleterious effect on protein structure/function; Not observed at significant frequency in large population cohorts (gnomAD); This variant is associated with the following publications: (PMID: Miao2021[article], 37168503)

Literature cited by the submitters: PubMed 37168503 (cited by Labcorp Genetics (formerly Invitae), Labcorp and Women's Health and Genetics/Laboratory Corporation of America, LabCorp); PubMed 38951975 (cited by Labcorp Genetics (formerly Invitae), Labcorp); PubMed 2021 (cited by Labcorp Genetics (formerly Invitae), Labcorp); PubMed 3 (cited by Labcorp Genetics (formerly Invitae), Labcorp); PubMed 31852447 (cited by Natera, Inc. and Women's Health and Genetics/Laboratory Corporation of America, LabCorp).